The following is an entry in ClinVar:

NM_005902.4(SMAD3):c.93C>A (p.Cys31Ter)

Gene: SMAD3 (SMAD family member 3; plus strand). Cytogenetic location: 15q22.33.
Variant type: single nucleotide variant.
Coding change: c.93C>A on transcript NM_005902.4 (MANE Select); coding-DNA position 93, C replaced by A.
Protein change: p.Cys31Ter; replaces cysteine 31 with a stop codon.
Molecular consequence: nonsense.
Genome position (GRCh38, 1-based): chr15:67,066,247, C>A. VCF-style: chr15-67066247-C-A. GRCh37 (hg19) VCF-style: chr15-67358585-C-A.
Other names: c.93C>A, p.Cys31Ter (NM_001407011.1, NM_001407012.1, NM_001407013.1); short protein forms C31*.
Identifiers: ClinVar variation 4974785 (VCV004974785.1).

ClinVar aggregate classification (germline): Pathogenic (1 of 4 stars; one submission).

Conditions:
Aneurysm-osteoarthritis syndrome. Also called: SMAD3-Related Loeys-Dietz Syndrome; ANEURYSMS-OSTEOARTHRITIS SYNDROME; Loeys-Dietz syndrome, type 1C; LOEYS-DIETZ SYNDROME WITH OSTEOARTHRITIS. Identifiers: Orphanet 284984, MedGen C3151087, MONDO:0013426, OMIM 613795.

Submission:

Center for Human Genetics and Genomic Medicine, Uniklinik Rwth Aachen
Classification: Pathogenic for Aneurysm-osteoarthritis syndrome. Last evaluated: 2025-09-02. Review status: criteria provided, single submitter. Criteria: ACMG Guidelines, 2015. Collection method: clinical testing. Allele origin: maternal. Inheritance: Autosomal dominant inheritance. Affected: yes. Observed: 1 variant allele, 1 heterozygote.
Comment: The identified variant is not listed in the general population (gnomAD v4.0.0). It is not listed in the ClinVar or dbSNP156 databases. The variant has not yet been described in the literature. The variant results in a premature stop codon and therefore most likely leads to a loss of function of the corresponding protein. For the SMAD3 gene, intolerance to haploinsufficiency has been described as a pathomechanism. In the same exon 1, several frameshift and nonsense variants are listed in ClinVar as (probably) pathogenic (e.g., VCV000213779.16, VCV003445813.1, VCV000982355.2).